The following is an entry in ClinVar:

ClinVar aggregate classification (germline): Likely pathogenic (1 of 4 stars; one submission).

Conditions:
LAMA1-related disorder. Also called: LAMA1-related disorders; LAMA1-related condition.

Submission:

PreventionGenetics, part of Exact Sciences
Classification: Likely pathogenic for LAMA1-related condition. Last evaluated: 2025-08-15. Review status: criteria provided, single submitter. Criteria: ACMG Guidelines, 2015. Collection method: clinical testing. Allele origin: germline.
Comment: The LAMA1 c.4249_4253delinsT variant is predicted to result in a frameshift and premature protein termination (p.Gly1417Cysfs*3). To our knowledge, this variant has not been reported in the literature or in a large population database (gnomAD), indicating this variant is rare. Frameshift variants in LAMA1 are expected to be pathogenic. This variant is interpreted as likely pathogenic.

NM_005559.4(LAMA1):c.4249_4253delinsT (p.Gly1417fs)

Gene: LAMA1 (laminin subunit alpha 1; minus strand). Cytogenetic location: 18p11.31.
Variant type: Indel.
Coding change: c.4249_4253delinsT on transcript NM_005559.4 (MANE Select); coding-DNA positions 4249 to 4253, GGGAA replaced by T.
Protein change: p.Gly1417fs; shifts the reading frame from glycine 1417.
Molecular consequence: frameshift variant.
Genome position (GRCh38, 1-based): chr18:7,007,146-7,007,150, TTCCC replaced by A on the plus strand (GGGAA replaced by T on the coding strand, the reverse complement: LAMA1 is on the minus strand). VCF-style: chr18-7007146-TTCCC-A. GRCh37 (hg19) VCF-style: chr18-7007145-TTCCC-A.
Other names: short protein forms G1417fs.
Identifiers: ClinVar variation 4999143 (VCV004999143.1).